The following is an entry in ClinVar:

NM_000234.3(LIG1):c.97C>A (p.Pro33Thr)

Gene: LIG1 (DNA ligase 1; minus strand). Cytogenetic location: 19q13.33.
Variant type: single nucleotide variant.
Coding change: c.97C>A on transcript NM_000234.3 (MANE Select); coding-DNA position 97, C replaced by A.
Protein change: p.Pro33Thr; replaces proline 33 with threonine.
Molecular consequence: missense variant. On other transcripts: non-coding transcript variant (2), intron variant (2).
Genome position (GRCh38, 1-based): chr19:48,162,272, G>T on the plus strand (C>A on the coding strand, the complement: LIG1 is on the minus strand). VCF-style: chr19-48162272-G-T. GRCh37 (hg19) VCF-style: chr19-48665529-G-T.
Other names: c.97C>A, p.Pro33Thr (NM_001289064.2, NM_001320970.2); c.18-765C>A (NM_001289063.2, NM_001320971.2); short protein forms P33T.
Identifiers: ClinVar variation 3234860 (VCV003234860.1), dbSNP rs2036223469, ClinGen allele CA406643372.
Genomic context (GRCh38, chr19:48,162,272, plus strand): 5'-TCCTGACTGCTAAAGGAAAAAATTCACCATATCCCAGCCCTGTGACATACTTTGGAGGGG[G>T]CTCCGTCTCTCTGCTGCTATTGGATGCCTCCTTCTCAGGCTTCTTTGCTTTACCCTCTTT-3'
Protein context (NP_000225.1, residues 23-43): EASNSSRETE[Pro33Thr]PPKAALKEWN

ClinVar aggregate classification (germline): Uncertain significance (1 of 4 stars; one submission).

Conditions:
Immunodeficiency 96 (IMD96). Identifiers: MedGen C5676930, MONDO:0030693, OMIM 619774.

gnomAD v4.1: 2 of 1,612,976 alleles (0.00012%); highest among the groups gnomAD compares: East Asian, 0.0022%; no homozygotes.

Submission:

Neuberg Centre For Genomic Medicine, NCGM
Classification: Uncertain significance for Immunodeficiency 96. Review status: criteria provided, single submitter. Criteria: ACMG Guidelines, 2015. Collection method: clinical testing. Allele origin: germline. Inheritance: Autosomal recessive inheritance. Affected: yes.
Comment: The missense c.97C>Ap.Pro33Thr variant in LIG1 gene has not been reported previously as a pathogenic variant nor as a benign variant, to our knowledge. The p.Pro33Thr variant is novel not in any individuals in gnomAD Exomes and 1000 Genomes. This variant has not been reported to the ClinVar database. The amino acid change p.Pro33Thr in LIG1 is predicted as conserved by GERP++ and PhyloP across 100 vertebrates. The amino acid Pro at position 33 is changed to a Thr changing protein sequence and it might alter its composition and physico-chemical properties. For these reasons, this variant has been classified as Variant of Uncertain Significance VUS.